The following is an entry in ClinVar:

NM_004415.4(DSP):c.6207C>T (p.Val2069=)

Gene: DSP (desmoplakin; plus strand). Cytogenetic location: 6p24.3.
Variant type: single nucleotide variant.
Coding change: c.6207C>T on transcript NM_004415.4 (MANE Select); coding-DNA position 6207, C replaced by T.
Protein change: p.Val2069=; no amino-acid change (valine 2069 retained).
Molecular consequence: synonymous variant.
Genome position (GRCh38, 1-based): chr6:7,583,469, C>T. VCF-style: chr6-7583469-C-T. GRCh37 (hg19) VCF-style: chr6-7583702-C-T.
Other names: p.Val2069=; c.4410C>T, p.Val1470= (NM_001008844.3); c.4878C>T, p.Val1626= (NM_001319034.2); c.6207C>T (NM_004415.3, LRG_423t1).
Identifiers: ClinVar variation 413270 (VCV000413270.24), dbSNP rs147398792, ClinGen allele CA047071.

ClinVar aggregate classification (germline): Likely benign. Review status: criteria provided, multiple submitters, no conflicts (2 of 4 stars). 10 submissions from 10 submitters: Likely benign (7). 3 of the submissions do not count toward it. Last evaluated 2026-01-18.

Conditions:
DSP-related disorder. Also called: DSP-related disorders; DSP-related condition.
Cardiovascular phenotype. Identifiers: MedGen CN230736.
Cardiomyopathy (CMYO). Also called: Cardiomyopathies. Identifiers: Orphanet 167848, MedGen C0878544, MONDO:0004994, HP:0001638. Inheritance: Various modes of inheritance.
Arrhythmogenic cardiomyopathy with wooly hair and keratoderma. Also called: PALMOPLANTAR KERATODERMA WITH LEFT VENTRICULAR CARDIOMYOPATHY AND WOOLLY HAIR; Dilated cardiomyopathy with woolly hair and keratoderma; Arrhythmogenic cardiomyopathy with woolly hair and keratoderma; Carvajal syndrome. Identifiers: Orphanet 65282, MedGen C1854063, MONDO:0011581, OMIM 605676.
Arrhythmogenic right ventricular dysplasia 8 (ARVD8). Also called: Arrhythmogenic Right Ventricular Dysplasia/Cardiomyopathy 8; ARRHYTHMOGENIC RIGHT VENTRICULAR CARDIOMYOPATHY 8; ARRHYTHMOGENIC RIGHT VENTRICULAR DYSPLASIA, FAMILIAL, 8. Identifiers: MedGen C1843896, MONDO:0011831, OMIM 607450.

Allele frequency attached by ClinVar (database versions not stated): gnomAD exomes 0.00001 and 0.00007; ExAC 0.00004; ESP Exome Variant Server 0.00008; 1000 Genomes Project 30x 0.00016; 1000 Genomes Project 0.00020; gnomAD 0.00020 and 0.00022; TOPMed 0.00020.
gnomAD v4.1: 49 of 1,614,156 alleles (0.003%); highest among the groups gnomAD compares: African/African-American, 0.052%; no homozygotes.

Submissions (10):

Labcorp Genetics (formerly Invitae), Labcorp
Classification: Likely benign for Arrhythmogenic cardiomyopathy with wooly hair and keratoderma; Arrhythmogenic right ventricular dysplasia 8. Last evaluated: 2026-01-18. Review status: criteria provided, single submitter. Criteria: Invitae Variant Classification Sherloc (09022015). Collection method: clinical testing. Allele origin: germline.

Mayo Clinic Laboratories, Mayo Clinic
Classification: Likely benign. Last evaluated: 2025-05-19. Review status: criteria provided, single submitter. Criteria: ACMG Guidelines, 2015. Collection method: clinical testing. Allele origin: germline. Observed: 2 variant alleles.
Comment: BS1, BP4, BP7

Blueprint Genetics
Classification: Likely benign. Last evaluated: 2024-01-18. Review status: criteria provided, single submitter. Criteria: ACMG Guidelines, 2015. Collection method: clinical testing. Allele origin: germline.

All of Us Research Program, National Institutes of Health
Classification: Likely benign for Arrhythmogenic cardiomyopathy with wooly hair and keratoderma. Last evaluated: 2024-01-11. Review status: criteria provided, single submitter. Criteria: ACMG Guidelines, 2015. Collection method: clinical testing. Allele origin: germline. Inheritance: Autosomal dominant inheritance. Observed: 13 variant alleles, 13 heterozygotes.
Comment: This study involves interpretation of variants in research participants for the purpose of population health screening. Participant phenotype was not available at the time of variant classification. Additional details can be found in publication PMID: 35346344, PMCID: PMC8962531

Color Diagnostics, LLC DBA Color Health
Classification: Likely benign for Cardiomyopathy. Last evaluated: 2022-11-06. Review status: criteria provided, single submitter. Criteria: ACMG Guidelines, 2015. Collection method: clinical testing. Allele origin: germline.

Ambry Genetics
Classification: Likely benign for Cardiovascular phenotype. Last evaluated: 2019-03-14. Review status: criteria provided, single submitter. Criteria: Ambry Variant Classification Scheme 2023. Collection method: clinical testing. Allele origin: germline.

GeneDx
Classification: Likely benign. Last evaluated: 2019-01-10. Review status: criteria provided, single submitter. Criteria: GeneDx Variant Classification Process June 2021. Collection method: clinical testing. Allele origin: germline. Affected: yes.

PreventionGenetics, part of Exact Sciences
Classification: Likely benign for DSP-related condition. Last evaluated: 2023-12-26. Review status: no assertion criteria provided. Collection method: clinical testing. Allele origin: germline. Not counted in ClinVar's aggregate classification.
Comment: This variant is classified as likely benign based on ACMG/AMP sequence variant interpretation guidelines (Richards et al. 2015 PMID: 25741868, with internal and published modifications).

Clinical Genetics, Academic Medical Center
Classification: Benign. Review status: no assertion criteria provided. Collection method: clinical testing. Allele origin: germline. Affected: yes. Study: VKGL Data-share Consensus. Not counted in ClinVar's aggregate classification.

Joint Genome Diagnostic Labs from Nijmegen and Maastricht, Radboudumc and MUMC+
Classification: Likely benign. Review status: no assertion criteria provided. Collection method: clinical testing. Allele origin: germline. Affected: yes. Study: VKGL Data-share Consensus. Not counted in ClinVar's aggregate classification.